The following is an entry in ClinVar:

NM_001083614.2(EARS2):c.590C>T (p.Ala197Val)

Gene: EARS2 (glutamyl-tRNA synthetase 2, mitochondrial; minus strand). Cytogenetic location: 16p12.2.
Variant type: single nucleotide variant.
Coding change: c.590C>T on transcript NM_001083614.2 (MANE Select); coding-DNA position 590, C replaced by T.
Protein change: p.Ala197Val; replaces alanine 197 with valine.
Molecular consequence: missense variant. On other transcripts: non-coding transcript variant (1).
Genome position (GRCh38, 1-based): chr16:23,535,256, G>A on the plus strand (C>T on the coding strand, the complement: EARS2 is on the minus strand). VCF-style: chr16-23535256-G-A. GRCh37 (hg19) VCF-style: chr16-23546577-G-A.
Other names: c.590C>T, p.Ala197Val (NM_001308211.1, NM_133451.1); short protein forms A197V.
Identifiers: ClinVar variation 2186037 (VCV002186037.4), dbSNP rs865947359, ClinGen allele CA279517923.

ClinVar aggregate classification (germline): Uncertain significance (1 of 4 stars; one submission).

Allele frequency attached by ClinVar (database versions not stated): gnomAD exomes below 0.00001.

Submission:

Labcorp Genetics (formerly Invitae), Labcorp
Classification: Uncertain significance. Last evaluated: 2022-09-07. Review status: criteria provided, single submitter. Criteria: Invitae Variant Classification Sherloc (09022015). Collection method: clinical testing. Allele origin: germline.
Comment: This sequence change replaces alanine, which is neutral and non-polar, with valine, which is neutral and non-polar, at codon 197 of the EARS2 protein (p.Ala197Val). This variant is not present in population databases (gnomAD no frequency). This variant has not been reported in the literature in individuals affected with EARS2-related conditions. Advanced modeling of protein sequence and biophysical properties (such as structural, functional, and spatial information, amino acid conservation, physicochemical variation, residue mobility, and thermodynamic stability) performed at Invitae indicates that this missense variant is not expected to disrupt EARS2 protein function. In summary, the available evidence is currently insufficient to determine the role of this variant in disease. Therefore, it has been classified as a Variant of Uncertain Significance.